The following is an entry in ClinVar:

NM_005045.4(RELN):c.7897G>A (p.Glu2633Lys)

Gene: RELN (reelin; minus strand). Cytogenetic location: 7q22.1.
Variant type: single nucleotide variant.
Coding change: c.7897G>A on transcript NM_005045.4 (MANE Select); coding-DNA position 7897, G replaced by A.
Protein change: p.Glu2633Lys; replaces glutamic acid 2633 with lysine.
Molecular consequence: missense variant.
Genome position (GRCh38, 1-based): chr7:103,515,407, C>T on the plus strand (G>A on the coding strand, the complement: RELN is on the minus strand). VCF-style: chr7-103515407-C-T. GRCh37 (hg19) VCF-style: chr7-103155854-C-T.
Other names: c.7897G>A, p.Glu2633Lys (NM_173054.3); short protein forms E2633K.
Identifiers: ClinVar variation 582153 (VCV000582153.10), dbSNP rs958494439, ClinGen allele CA163924573.

ClinVar aggregate classification (germline): Uncertain significance. Review status: criteria provided, multiple submitters, no conflicts (2 of 4 stars). 2 submissions from 2 submitters: Uncertain significance (2). Last evaluated 2022-10-19.

Conditions:
Norman-Roberts syndrome (LIS2). Also called: Lissencephaly 2 (Norman-Roberts type). Identifiers: Orphanet 89844, MedGen C0796089, MONDO:0009760, OMIM 257320.
Familial temporal lobe epilepsy 7. Identifiers: Orphanet 101046, MedGen C4225327, MONDO:0014639, OMIM 616436.

Allele frequency attached by ClinVar (database versions not stated): gnomAD exomes below 0.00001; gnomAD 0.00001; TOPMed 0.00002.
gnomAD v4.1: 3 of 1,613,988 alleles (0.00019%); highest among the groups gnomAD compares: Admixed American, 0.0017%; no homozygotes.

Submissions (2):

Labcorp Genetics (formerly Invitae), Labcorp
Classification: Uncertain significance for Familial temporal lobe epilepsy 7; Norman-Roberts syndrome. Last evaluated: 2022-10-19. Review status: criteria provided, single submitter. Criteria: Invitae Variant Classification Sherloc (09022015). Collection method: clinical testing. Allele origin: germline.
Comment: This sequence change replaces glutamic acid, which is acidic and polar, with lysine, which is basic and polar, at codon 2633 of the RELN protein (p.Glu2633Lys). This variant is present in population databases (no rsID available, gnomAD 0.1%). This variant has not been reported in the literature in individuals affected with RELN-related conditions. ClinVar contains an entry for this variant (Variation ID: 582153). Advanced modeling of protein sequence and biophysical properties (such as structural, functional, and spatial information, amino acid conservation, physicochemical variation, residue mobility, and thermodynamic stability) performed at Invitae indicates that this missense variant is not expected to disrupt RELN protein function. In summary, the available evidence is currently insufficient to determine the role of this variant in disease. Therefore, it has been classified as a Variant of Uncertain Significance.

Athena Diagnostics
Classification: Uncertain significance. Last evaluated: 2018-02-06. Review status: criteria provided, single submitter. Criteria: Athena Diagnostics Criteria. Collection method: clinical testing. Allele origin: germline.